The following is an entry in ClinVar:

ClinVar aggregate classification (germline): Uncertain significance (1 of 4 stars; one submission).

Conditions:
RYR1-related disorder. Also called: RYR1-related condition; RYR1-related disorders. Identifiers: MedGen CN239331.

Allele frequency attached by ClinVar (database versions not stated): ExAC 0.00045; gnomAD exomes 0.00001.
gnomAD v4.1: 15 of 1,558,274 alleles (0.00096%); highest among the groups gnomAD compares: South Asian, 0.018%; no homozygotes.

Submission:

Labcorp Genetics (formerly Invitae), Labcorp
Classification: Uncertain significance for RYR1-related disorder. Last evaluated: 2024-08-06. Review status: criteria provided, single submitter. Criteria: Invitae Variant Classification Sherloc (09022015). Collection method: clinical testing. Allele origin: germline.
Comment: This sequence change replaces alanine, which is neutral and non-polar, with threonine, which is neutral and polar, at codon 1344 of the RYR1 protein (p.Ala1344Thr). This variant is present in population databases (rs771446943, gnomAD 0.03%). This variant has not been reported in the literature in individuals affected with RYR1-related conditions. ClinVar contains an entry for this variant (Variation ID: 2169824). Advanced modeling of protein sequence and biophysical properties (such as structural, functional, and spatial information, amino acid conservation, physicochemical variation, residue mobility, and thermodynamic stability) performed at Invitae indicates that this missense variant is not expected to disrupt RYR1 protein function with a negative predictive value of 95%. In summary, the available evidence is currently insufficient to determine the role of this variant in disease. Therefore, it has been classified as a Variant of Uncertain Significance.

NM_000540.3(RYR1):c.4030G>A (p.Ala1344Thr)

Gene: RYR1 (ryanodine receptor 1; plus strand). Cytogenetic location: 19q13.2.
Variant type: single nucleotide variant.
Coding change: c.4030G>A on transcript NM_000540.3 (MANE Select); coding-DNA position 4030, G replaced by A.
Protein change: p.Ala1344Thr; replaces alanine 1344 with threonine.
Molecular consequence: missense variant.
Genome position (GRCh38, 1-based): chr19:38,473,641, G>A. VCF-style: chr19-38473641-G-A. GRCh37 (hg19) VCF-style: chr19-38964281-G-A.
Other names: c.4030G>A, p.Ala1344Thr (NM_001042723.2); short protein forms A1344T.
Identifiers: ClinVar variation 2169824 (VCV002169824.3), dbSNP rs771446943, ClinGen allele CA065497.
Genomic context (GRCh38, chr19:38,473,641, plus strand): 5'-GCGGCGGAACCCGACCCTGACTACGAAAACCTGCGCCGCTCAGCTGGGGGCTGGAGCGAG[G>A]CAGAGAACGGCAAAGAAGGGACTGCGAAGGAGGGCGCCCCCGGGGGCACCCCGCAGGCGG-3'
Protein context (NP_000531.2, residues 1334-1354): LRRSAGGWSE[Ala1344Thr]ENGKEGTAKE